The following is an entry in ClinVar:

NM_005343.4(HRAS):c.81T>C (p.His27=)

Genes: HRAS (HRas proto-oncogene, GTPase; minus strand), LRRC56 (leucine rich repeat containing 56; plus strand). Cytogenetic location: 11p15.5.
Variant type: single nucleotide variant.
Coding change: c.81T>C on transcript NM_005343.4 (MANE Select); coding-DNA position 81, T replaced by C.
Protein change: p.His27=; no amino-acid change (histidine 27 retained).
Molecular consequence: synonymous variant. On other transcripts: 5 prime UTR variant (1).
Genome position (GRCh38, 1-based): chr11:534,242, A>G on the plus strand (T>C on the coding strand, the complement: HRAS is on the minus strand). VCF-style: chr11-534242-A-G. GRCh37 (hg19) VCF-style: chr11-534242-A-G.
Other names: p.H27H; NM_005343.3(HRAS):c.81T>C; p.His27His; c.81T>C, p.His27= (NM_001130442.3, NM_176795.5); c.-239T>C (NM_001318054.2).
Identifiers: ClinVar variation 40431 (VCV000040431.48), dbSNP rs12628, ClinGen allele CA135996.
Genomic context (GRCh38, chr11:534,242, plus strand): 5'-CTGGCACCTGGACGGCGGCGCCAGGCTCACCTCTATAGTGGGGTCGTATTCGTCCACAAA[A>G]TGGTTCTGGATCAGCTGGATGGTCAGCGCACTCTTGCCCACACCGCCGGCGCCCACCACC-3'
Protein context (NP_005334.1, residues 17-37): SALTIQLIQN[His27=]FVDEYDPTIE

ClinVar aggregate classification (germline): Benign. Review status: reviewed by expert panel (3 of 4 stars). 18 submissions from 18 submitters: Benign (1). 17 of the submissions do not count toward it. Last evaluated 2017-04-03.

Conditions:
Noonan syndrome and Noonan-related syndrome. Identifiers: Orphanet 98733, MedGen C5681679, MONDO:0020297.
Cardiovascular phenotype. Identifiers: MedGen CN230736.
RASopathy. Also called: rasopathies; Noonan spectrum disorder. Identifiers: Orphanet 536391, MedGen C5555857, MONDO:0021060.
Costello syndrome (CSTLO). Also called: FACIOCUTANEOSKELETAL SYNDROME; FCS SYNDROME; HRAS-Related Costello Syndrome. Identifiers: Orphanet 3071, MedGen C0587248, MONDO:0009026, OMIM 218040.
Squamous cell lung carcinoma. Also called: Lung cancer, squamous cell, somatic; Squamous cell carcinoma of lung. Identifiers: MedGen C0149782, MONDO:0005097, HP:0030359.

Allele frequency attached by ClinVar (database versions not stated): 1000 Genomes Project 0.29712; 1000 Genomes Project 30x 0.30356; ExAC 0.31352; gnomAD exomes 0.31585 and 0.33113; ESP Exome Variant Server 0.35453; gnomAD 0.34066 and 0.34645; TOPMed 0.34804.
gnomAD v4.1: 534,272 of 1,612,572 alleles (33%); highest among the groups gnomAD compares: African/African-American, 38%; 90,079 homozygotes.

Submissions (18):

ClinGen RASopathy Variant Curation Expert Panel
Classification: Benign for Noonan syndrome and Noonan-related syndrome. Last evaluated: 2017-04-03. Review status: reviewed by expert panel. Criteria: ClinGen RASopathy ACMG Specifications v1. Collection method: curation. Allele origin: germline. Inheritance: Autosomal dominant inheritance.
Comment: The filtering allele frequency of the c.81T>C (p.His27=) variant in the HRAS gene is 36.7% for African chromosomes by the Exome Aggregation Consortium (3874/10274 with 95% CI), which is a high enough frequency to be classified as benign based on thresholds defined by the ClinGen RASopathy Expert panel for autosomal dominant RASopathy variants (BA1). Additional case-level data provided by: SCV000058315; SCV000062146; SCV000196686.

Labcorp Genetics (formerly Invitae), Labcorp
Classification: Benign for Costello syndrome. Last evaluated: 2026-02-04. Review status: criteria provided, single submitter. Criteria: Invitae Variant Classification Sherloc (09022015). Collection method: clinical testing. Allele origin: germline. Not counted in ClinVar's aggregate classification.

ARUP Laboratories, Molecular Genetics and Genomics, ARUP Laboratories
Classification: Benign. Last evaluated: 2025-07-30. Review status: criteria provided, single submitter. Criteria: ARUP Molecular Germline Variant Investigation Process 2024. Collection method: clinical testing. Allele origin: germline. Not counted in ClinVar's aggregate classification.

Blueprint Genetics
Classification: Benign. Last evaluated: 2024-11-27. Review status: criteria provided, single submitter. Criteria: ACMG Guidelines, 2015. Collection method: clinical testing. Allele origin: germline. Not counted in ClinVar's aggregate classification.

Genome-Nilou Lab
Classification: Benign for Costello syndrome. Last evaluated: 2021-08-10. Review status: criteria provided, single submitter. Criteria: ACMG Guidelines, 2015. Collection method: clinical testing. Allele origin: germline. Affected: no. Not counted in ClinVar's aggregate classification.

Genome Diagnostics Laboratory, The Hospital for Sick Children
Classification: Benign for Noonan syndrome and Noonan-related syndrome. Last evaluated: 2021-07-08. Review status: criteria provided, single submitter. Criteria: ACMG Guidelines, 2015. Collection method: clinical testing. Allele origin: germline. Not counted in ClinVar's aggregate classification.

Ambry Genetics
Classification: Benign for Cardiovascular phenotype. Last evaluated: 2018-12-04. Review status: criteria provided, single submitter. Criteria: Ambry Variant Classification Scheme 2023. Collection method: clinical testing. Allele origin: germline. Not counted in ClinVar's aggregate classification.

Mayo Clinic Laboratories, Mayo Clinic
Classification: Benign. Last evaluated: 2017-07-24. Review status: criteria provided, single submitter. Criteria: ACMG Guidelines, 2015. Collection method: clinical testing. Allele origin: germline. Observed: 1,221 variant alleles. Not counted in ClinVar's aggregate classification.

Eurofins Ntd Llc (ga)
Classification: Benign. Last evaluated: 2017-02-14. Review status: criteria provided, single submitter. Criteria: EGL Classification Definitions 2015. Collection method: clinical testing. Allele origin: germline. Observed: 4 variant alleles, 3 heterozygotes, 1 homozygote. Not counted in ClinVar's aggregate classification.

Center for Human Genetics, Inc
Classification: Uncertain significance for Costello syndrome. Last evaluated: 2016-11-01. Review status: criteria provided, single submitter. Criteria: ACMG Guidelines, 2015. Collection method: clinical testing. Allele origin: germline. Affected: yes. Not counted in ClinVar's aggregate classification.

GeneDx
Classification: Benign. Last evaluated: 2015-03-03. Review status: criteria provided, single submitter. Criteria: GeneDx Variant Classification Process June 2021. Collection method: clinical testing. Allele origin: germline. Affected: yes. Not counted in ClinVar's aggregate classification.
Comment: This variant is associated with the following publications: (PMID: 32296843, 26607044, 12540507, 21514184, 23150177, 16488657)

Laboratory for Molecular Medicine, Mass General Brigham Personalized Medicine
Classification: Benign. Last evaluated: 2007-07-12. Review status: criteria provided, single submitter. Criteria: LMM Criteria. Collection method: clinical testing. Allele origin: germline. Observed: 1,848 variant alleles. Not counted in ClinVar's aggregate classification.

Breakthrough Genomics
Classification: Benign. Review status: criteria provided, single submitter. Criteria: ACMG Guidelines, 2015. Collection method: not provided. Allele origin: germline. Inheritance: Autosomal dominant inheritance. Affected: yes. Not counted in ClinVar's aggregate classification.

PreventionGenetics, part of Exact Sciences
Classification: Benign. Review status: criteria provided, single submitter. Criteria: ACMG Guidelines, 2015. Collection method: clinical testing. Allele origin: germline. Not counted in ClinVar's aggregate classification.

Faculté Pluridciplinaire Nador, Université Mohamed Premier
Classification: Likely benign for Squamous Cell Lung Carcinoma. Last evaluated: 2020-05-05. Review status: no assertion criteria provided. Collection method: clinical testing, in vivo. Allele origin: somatic. Affected: yes. Observed: 1 variant allele. Not counted in ClinVar's aggregate classification.

Baylor Genetics
Classification: Benign for Rasopathy. Review status: no assertion criteria provided. Collection method: clinical testing. Allele origin: unknown. Affected: yes. Not counted in ClinVar's aggregate classification.
Comment: Variant classified using ACMG guidelines

Clinical Genetics DNA and cytogenetics Diagnostics Lab, Erasmus MC, Erasmus Medical Center
Classification: Benign. Review status: no assertion criteria provided. Collection method: clinical testing. Allele origin: germline. Affected: yes. Study: VKGL Data-share Consensus. Not counted in ClinVar's aggregate classification.

Clinical Genetics, Academic Medical Center
Classification: Benign. Review status: no assertion criteria provided. Collection method: clinical testing. Allele origin: germline. Affected: yes. Study: VKGL Data-share Consensus. Not counted in ClinVar's aggregate classification.

Literature cited by the submitters: PubMed 16372351 (cited by Laboratory for Molecular Medicine, Mass General Brigham Personalized Medicine); DOI 10.3389/fonc.2020.01215 (cited by Faculté Pluridciplinaire Nador, Université Mohamed Premier).